The following is an entry in ClinVar:

ClinVar aggregate classification (germline): Uncertain significance (1 of 4 stars; one submission).

Submission:

Labcorp Genetics (formerly Invitae), Labcorp
Classification: Uncertain significance. Last evaluated: 2022-06-26. Review status: criteria provided, single submitter. Criteria: Invitae Variant Classification Sherloc (09022015). Collection method: clinical testing. Allele origin: germline.
Comment: This sequence change creates a premature translational stop signal (p.Asn663Lysfs*16) in the ALPK1 gene. It is expected to result in an absent or disrupted protein product. However, the current clinical and genetic evidence is not sufficient to establish whether loss-of-function variants in ALPK1 cause disease. This variant is not present in population databases (gnomAD no frequency). This variant has not been reported in the literature in individuals affected with ALPK1-related conditions. In summary, the available evidence is currently insufficient to determine the role of this variant in disease. Therefore, it has been classified as a Variant of Uncertain Significance.

NM_025144.4(ALPK1):c.1988dup (p.Asn663fs)

Gene: ALPK1 (alpha kinase 1; plus strand). Cytogenetic location: 4q25.
Variant type: Duplication.
Coding change: c.1988dup on transcript NM_025144.4 (MANE Select); coding-DNA position 1988, one base duplicated (A; older notation c.1988dupA).
Protein change: p.Asn663fs; shifts the reading frame from asparagine 663.
Molecular consequence: frameshift variant.
Genome position (GRCh38, 1-based): chr4:112,431,535, A duplicated; the last of 4 consecutive A bases (chr4:112,431,532-112,431,535); duplicating any one gives the same sequence. VCF-style (leftmost placement, unchanged base first): chr4-112431531-C-CA. GRCh37 (hg19) VCF-style: chr4-113352687-C-CA.
Other names: c.1988dup, p.Asn663fs (NM_001102406.2); c.1754dup, p.Asn585fs (NM_001253884.2); short protein forms N585fs, N663fs.
Identifiers: ClinVar variation 2011041 (VCV002011041.4), dbSNP rs2476505049, ClinGen allele CA2578170294.